The following is an entry in ClinVar:

NM_001363118.2(SLC52A2):c.1150G>A (p.Gly384Ser)

Gene: SLC52A2 (solute carrier family 52 member 2; plus strand). Cytogenetic location: 8q24.3.
Variant type: single nucleotide variant.
Coding change: c.1150G>A on transcript NM_001363118.2 (MANE Select); coding-DNA position 1150, G replaced by A.
Protein change: p.Gly384Ser; replaces glycine 384 with serine.
Molecular consequence: missense variant. On other transcripts: non-coding transcript variant (1).
Genome position (GRCh38, 1-based): chr8:144,360,827, G>A. VCF-style: chr8-144360827-G-A. GRCh37 (hg19) VCF-style: chr8-145584487-G-A.
Other names: c.1150G>A (NM_024531.3); c.1150G>A, p.Gly384Ser (NM_001253815.2, NM_001253816.2, NM_001363120.2 and 2 more transcripts); c.658G>A, p.Gly220Ser (NM_001363122.2); short protein forms G384S, G220S.
Identifiers: ClinVar variation 946959 (VCV000946959.10), dbSNP rs782593601, ClinGen allele CA4938416.

ClinVar aggregate classification (germline): Uncertain significance. Review status: criteria provided, multiple submitters, no conflicts (2 of 4 stars). 3 submissions from 3 submitters: Uncertain significance (3). Last evaluated 2026-02-01.

Conditions:
Brown-Vialetto-van Laere syndrome 2. Also called: SPINOCEREBELLAR ATAXIA WITH BLINDNESS AND DEAFNESS 2; Riboflavin transporter deficiency type 2. Identifiers: Orphanet 572543, Orphanet 97229, MedGen C3553538, MONDO:0013867, OMIM 614707.
Inborn genetic diseases. Identifiers: MedGen C0950123, MeSH D030342.

Allele frequency attached by ClinVar (database versions not stated): gnomAD exomes 0.00004 and 0.00008; gnomAD 0.00001 and below 0.00001; ExAC 0.00011; TOPMed below 0.00001.

Submissions (3):

CeGaT Center for Human Genetics Tuebingen
Classification: Uncertain significance. Last evaluated: 2026-02-01. Review status: criteria provided, single submitter. Criteria: CeGaT Center For Human Genetics Tuebingen Variant Classification Criteria Version 2. Collection method: clinical testing. Allele origin: germline. Affected: yes. Observed: 1 variant allele.

Labcorp Genetics (formerly Invitae), Labcorp
Classification: Uncertain significance for Brown-Vialetto-van Laere syndrome 2. Last evaluated: 2025-04-07. Review status: criteria provided, single submitter. Criteria: Invitae Variant Classification Sherloc (09022015). Collection method: clinical testing. Allele origin: germline.
Comment: This sequence change replaces glycine, which is neutral and non-polar, with serine, which is neutral and polar, at codon 384 of the SLC52A2 protein (p.Gly384Ser). This variant is present in population databases (rs782593601, gnomAD 0.06%). This variant has not been reported in the literature in individuals affected with SLC52A2-related conditions. ClinVar contains an entry for this variant (Variation ID: 946959). Invitae Evidence Modeling of protein sequence and biophysical properties (such as structural, functional, and spatial information, amino acid conservation, physicochemical variation, residue mobility, and thermodynamic stability) has been performed for this missense variant. However, the output from this modeling did not meet the statistical confidence thresholds required to predict the impact of this variant on SLC52A2 protein function. In summary, the available evidence is currently insufficient to determine the role of this variant in disease. Therefore, it has been classified as a Variant of Uncertain Significance.

Ambry Genetics
Classification: Uncertain significance for Inborn genetic diseases. Last evaluated: 2024-07-26. Review status: criteria provided, single submitter. Criteria: Ambry Variant Classification Scheme 2023. Collection method: clinical testing. Allele origin: germline.